The following is an entry in ClinVar:

NM_001134793.2(HYLS1):c.652G>T (p.Glu218Ter)

Genes: HYLS1 (HYLS1 centriolar and ciliogenesis associated; plus strand), PUS3 (pseudouridine synthase 3; minus strand). Cytogenetic location: 11q24.2.
Variant type: single nucleotide variant.
Coding change: c.652G>T on transcript NM_001134793.2 (MANE Select); coding-DNA position 652, G replaced by T.
Protein change: p.Glu218Ter; replaces glutamic acid 218 with a stop codon.
Molecular consequence: nonsense. On other transcripts: intron variant (7).
Genome position (GRCh38, 1-based): chr11:125,900,020, G>T. VCF-style: chr11-125900020-G-T. GRCh37 (hg19) VCF-style: chr11-125769915-G-T.
Other names: c.652G>T, p.Glu218Ter (NM_001377269.1, NM_001377270.1, NM_001424364.1 and 1 more transcripts); c.-247+3150C>A (NM_001271985.2); c.-47+3150C>A (NM_001441241.1, NM_001441239.1, NM_031307.4); c.-247+659C>A (NM_001441238.1); c.-47+659C>A (NM_001441240.1, NM_001441237.1); short protein forms E218*.
Identifiers: ClinVar variation 4816855 (VCV004816855.1).

ClinVar aggregate classification (germline): Likely pathogenic (1 of 4 stars; one submission).

Conditions:
Hydrolethalus syndrome. Identifiers: Orphanet 2189, MedGen C2931104, MONDO:0006037.

gnomAD v4.1: 4 of 1,614,076 alleles (0.00025%); highest among the groups gnomAD compares: Non-Finnish European, 0.00034%; no homozygotes.

Submission:

Natera, Inc.
Classification: Likely pathogenic for Hydrolethalus syndrome. Last evaluated: 2024-07-17. Review status: criteria provided, single submitter. Criteria: Natera Variant Classification Schema (03/2026). Collection method: clinical testing. Allele origin: germline.
Comment: The c.652G>T variant in HYLS1 is a nonsense variant predicted to introduce a stop codon at amino acid 218. This variant is expected to result in nonsense mediated decay, truncation, or a dysfunctional protein product. This variant is rare in the general population with a frequency below the threshold expected for the associated phenotype(s). Given the available evidence, this variant is classified as Likely Pathogenic.